The following is an entry in ClinVar:

NM_001849.4(COL6A2):c.2905G>A (p.Val969Met)

Gene: COL6A2 (collagen type VI alpha 2 chain; plus strand). Cytogenetic location: 21q22.3.
Variant type: single nucleotide variant.
Coding change: c.2905G>A on transcript NM_001849.4 (MANE Select); coding-DNA position 2905, G replaced by A.
Protein change: p.Val969Met; replaces valine 969 with methionine.
Molecular consequence: missense variant.
Genome position (GRCh38, 1-based): chr21:46,132,397, G>A. VCF-style: chr21-46132397-G-A. GRCh37 (hg19) VCF-style: chr21-47552311-G-A.
Other names: short protein forms V969M.
Identifiers: ClinVar variation 476479 (VCV000476479.13), dbSNP rs763443381, ClinGen allele CA10073087.
Genomic context (GRCh38, chr21:46,132,397, plus strand): 5'-GACGGCGTCACGGGCAACGACAGTCTGCACGAGTCGGCGCACTCCATGCGCAAGCAGAAC[G>A]TGGTACCCACCGTGCTGGCCTTGGGCAGCGACGTGGACATGGACGTGCTCACCACGCTCA-3'
Protein context (NP_001840.3, residues 959-979): ESAHSMRKQN[Val969Met]VPTVLALGSD

ClinVar aggregate classification (germline): Uncertain significance. Review status: criteria provided, multiple submitters, no conflicts (2 of 4 stars). 3 submissions from 3 submitters: Uncertain significance (3). Last evaluated 2023-12-06.

Conditions:
Bethlem myopathy 1A. Also called: Bethlem Muscular Dystrophy; MYOPATHY, BENIGN CONGENITAL, WITH CONTRACTURES; Bethlem myopathy 1. Identifiers: Orphanet 610, MedGen CN029274, MONDO:0024530, OMIM 158810.

Allele frequency attached by ClinVar (database versions not stated): ExAC 0.00002.

Submissions (3):

Revvity Omics, Revvity
Classification: Uncertain significance. Last evaluated: 2023-12-06. Review status: criteria provided, single submitter. Criteria: ACMG Guidelines, 2015. Collection method: clinical testing. Allele origin: germline.

GeneDx
Classification: Uncertain significance. Last evaluated: 2023-08-16. Review status: criteria provided, single submitter. Criteria: GeneDx Variant Classification Process June 2021. Collection method: clinical testing. Allele origin: germline. Affected: yes.
Comment: Reported previously in the compound heterozygous state in a patient with LGMD with contractures and a dystrophic pattern on muscle biopsy (Juntas Morales et al., 2021); In silico analysis supports that this missense variant does not alter protein structure/function; This variant is associated with the following publications: (PMID: 34440373)

Labcorp Genetics (formerly Invitae), Labcorp
Classification: Uncertain significance for Bethlem myopathy 1A. Last evaluated: 2019-11-16. Review status: criteria provided, single submitter. Criteria: Invitae Variant Classification Sherloc (09022015). Collection method: clinical testing. Allele origin: germline.
Comment: In summary, this variant has uncertain impact on COL6A2 function. The available evidence is currently insufficient to determine its role in disease. Therefore, it has been classified as a Variant of Uncertain Significance. Algorithms developed to predict the effect of missense changes on protein structure and function do not agree on the potential impact of this missense change (SIFT: "Deleterious"; PolyPhen-2: "Probably Damaging"; Align-GVGD: "Class C0"). This variant has not been reported in the literature in individuals with a COL6A2-related disease. This variant is present in population databases (rs763443381, ExAC 0.006%). This sequence change replaces valine with methionine at codon 969 of the COL6A2 protein (p.Val969Met). The valine residue is highly conserved and there is a small physicochemical difference between valine and methionine.